The following is an entry in ClinVar:

NM_001963.6(EGF):c.2337G>A (p.Thr779=)

Genes: EGF (epidermal growth factor; plus strand), LOC126807134 (BRD4-independent group 4 enhancer GRCh37_chr4:110900995-110902194; plus strand). Cytogenetic location: 4q25.
Variant type: single nucleotide variant.
Coding change: c.2337G>A on transcript NM_001963.6 (MANE Select); coding-DNA position 2337, G replaced by A.
Protein change: p.Thr779=; no amino-acid change (threonine 779 retained).
Molecular consequence: synonymous variant.
Genome position (GRCh38, 1-based): chr4:109,980,941, G>A. VCF-style: chr4-109980941-G-A. GRCh37 (hg19) VCF-style: chr4-110902097-G-A.
Other names: c.2337G>A, p.Thr779= (NM_001178130.3); c.2211G>A, p.Thr737= (NM_001178131.3, NM_001357021.2); c.2337G>A (NM_001963.5).
Identifiers: ClinVar variation 901215 (VCV000901215.13), dbSNP rs368323208, ClinGen allele CA3043936.
Genomic context (GRCh38, chr4:109,980,941, plus strand): 5'-GCTTGGAACTGCTTGGTGTTCGTGTCGTGAAGGTTTTATGAAAGCCTCAGATGGGAAAAC[G>A]TGTCTGGCTCTGGATGGTCATCAGCTGTTGGCAGGTAATATAATAAATTATGTGGCAAAT-3'
Protein context (NP_001954.2, residues 769-789): EGFMKASDGK[Thr779=]CLALDGHQLL

ClinVar aggregate classification (germline): Conflicting classifications of pathogenicity. Review status: criteria provided, conflicting classifications (1 of 4 stars). 3 submissions from 3 submitters: Uncertain significance (1); Likely benign (1). 1 of the submissions does not count toward it. Last evaluated 2023-08-30.

Conditions:
Renal hypomagnesemia 4. Also called: HYPOMAGNESEMIA, RENAL, NORMOCALCIURIC. Identifiers: Orphanet 34527, MedGen C2673648, MONDO:0012717, OMIM 611718.
EGF-related disorder. Also called: EGF-related condition.

Allele frequency attached by ClinVar (database versions not stated): gnomAD 0.00003 and 0.00004; TOPMed 0.00004; ExAC 0.00008; gnomAD exomes 0.00008; ESP Exome Variant Server 0.00015.
gnomAD v4.1: 166 of 1,613,978 alleles (0.01%); highest among the groups gnomAD compares: South Asian, 0.035%; no homozygotes.

Submissions (3):

Labcorp Genetics (formerly Invitae), Labcorp
Classification: Likely benign. Last evaluated: 2023-08-30. Review status: criteria provided, single submitter. Criteria: Invitae Variant Classification Sherloc (09022015). Collection method: clinical testing. Allele origin: germline.

Illumina Laboratory Services, Illumina
Classification: Uncertain significance for Renal hypomagnesemia 4. Last evaluated: 2017-04-27. Review status: criteria provided, single submitter. Criteria: ICSL Variant Classification Criteria 13 December 2019. Collection method: clinical testing. Allele origin: germline.

PreventionGenetics, part of Exact Sciences
Classification: Likely benign for EGF-related condition. Last evaluated: 2019-08-06. Review status: no assertion criteria provided. Collection method: clinical testing. Allele origin: germline. Not counted in ClinVar's aggregate classification.
Comment: This variant is classified as likely benign based on ACMG/AMP sequence variant interpretation guidelines (Richards et al. 2015 PMID: 25741868, with internal and published modifications).